The following is an entry in ClinVar:

NM_000525.4(KCNJ11):c.290dup (p.His97fs)

Gene: KCNJ11 (potassium inwardly rectifying channel subfamily J member 11; minus strand). Cytogenetic location: 11p15.1.
Variant type: Duplication.
Coding change: c.290dup on transcript NM_000525.4 (MANE Select); coding-DNA position 290, one base duplicated (A; older notation c.290dupA).
Protein change: p.His97fs; shifts the reading frame from histidine 97.
Molecular consequence: frameshift variant.
Genome position (GRCh38, 1-based): chr11:17,387,802, T duplicated on the plus strand (A on the coding strand, the reverse complement: KCNJ11 is on the minus strand). VCF-style (leftmost placement, unchanged base first): chr11-17387801-G-GT. GRCh37 (hg19) VCF-style: chr11-17409348-G-GT.
Other names: c.29dup, p.His10fs (NM_001166290.2, NM_001377296.1, NM_001377297.1); c.290dupA (NM_000525.3); short protein forms H97fs, H10fs.
Identifiers: ClinVar variation 557649 (VCV000557649.3), dbSNP rs1554901854, ClinGen allele CA658822456.
Genomic context (GRCh38, chr11:17,387,801, plus strand): 5'-GAAGGAGTGGATGCTGGTGACACAGGGCTCAGCAGTGCCCTCGCTGGGGGCCAGGTCACC[G>GT]TGGGCGAAGGCGATGAGCCACCAGGCCATGGCGAAGAGCAGCCAGCTGCACAGGAAGGAC-3'

ClinVar aggregate classification (germline): Uncertain significance. Review status: criteria provided, single submitter (1 of 4 stars). 2 submissions from 2 submitters: Uncertain significance (1). 1 of the submissions does not count toward it.

Conditions:
Maturity-onset diabetes of the young (MODY). Also called: Maturity onset diabetes mellitus in young. Identifiers: Orphanet 552, MedGen C0342276, MONDO:0018911, HP:0004904.
Diabetes mellitus, transient neonatal, 3 (TNDM3). Identifiers: Orphanet 99886, MedGen C1864623, MONDO:0012522, OMIM 610582. Disease mechanism: loss of function.
Hyperinsulinemic hypoglycemia, familial, 2. Also called: HYPERINSULINEMIC HYPOGLYCEMIA, PERSISTENT; HYPERINSULINISM, NEONATAL. Identifiers: Orphanet 276580, Orphanet 276603, MedGen C2931833, MONDO:0011153, OMIM 601820. Disease mechanism: loss of function.
Permanent neonatal diabetes mellitus 1. Also called: GCK-Related Permanent Neonatal Diabetes Mellitus. Identifiers: MedGen C5393570, MONDO:0100165, OMIM 606176.

Allele frequency attached by ClinVar (database versions not stated): TOPMed below 0.00001.

Submissions (2):

Clinical Genomics, Uppaluri K&H Personalized Medicine Clinic
Classification: Uncertain significance for Maturity-onset diabetes of the young. Review status: criteria provided, single submitter. Criteria: K&H Uppaluri Personalized Medicine Clinic Variant Classification & Assertion Criteria. Collection method: research. Allele origin: somatic. Inheritance: Autosomal dominant inheritance.
Comment: Mutations in KCNJ11 gene can cause decreased production and secretion of insulin. This can lead to MODY which may be responsive to oral sulfonylureas. It is also associated with Neonatal Diabetes. However, no sufficient evidence is found to ascertain the role of rs1554901854 variant in MODY yet.

Counsyl
Classification: Likely pathogenic for Hyperinsulinemic hypoglycemia, familial, 2; Permanent neonatal diabetes mellitus 1; Diabetes mellitus, transient neonatal, 3. Last evaluated: 2018-04-03. Review status: no assertion criteria provided. Collection method: clinical testing. Allele origin: unknown. Not counted in ClinVar's aggregate classification.

Literature cited by the submitters: PubMed 26448950 (cited by Clinical Genomics, Uppaluri K&H Personalized Medicine Clinic); PubMed 15718250 (cited by Clinical Genomics, Uppaluri K&H Personalized Medicine Clinic); PubMed 15580558 (cited by Clinical Genomics, Uppaluri K&H Personalized Medicine Clinic).